The following is an entry in ClinVar:

NC_000009.11:g.(?_107546596)_(108536361_?)dup

Genes: ABCA1 (ATP binding cassette subfamily A member 1; minus strand), FKTN (fukutin; plus strand), FSD1L (fibronectin type III and SPRY domain containing 1 like; plus strand), SLC44A1 (solute carrier family 44 member 1; plus strand), TAL2 (TAL bHLH transcription factor 2; plus strand) and 1 more. Cytogenetic location: 9q31.1-31.2.
Variant type: Duplication.
Identifiers: ClinVar variation 2423632 (VCV002423632.3).

ClinVar aggregate classification (germline): Uncertain significance (1 of 4 stars; one submission).

Conditions:
Walker-Warburg congenital muscular dystrophy. Also called: Muscular dystrophy-dystroglycanopathy, type A; Walker-Warburg syndrome. Identifiers: Orphanet 899, MedGen C0265221, MONDO:0000171.

Submission:

Labcorp Genetics (formerly Invitae), Labcorp
Classification: Uncertain significance for Walker-Warburg congenital muscular dystrophy. Last evaluated: 2022-06-22. Review status: criteria provided, single submitter. Criteria: Invitae Variant Classification Sherloc (09022015). Collection method: clinical testing. Allele origin: germline.
Comment: A copy number gain of the genomic region encompassing the full coding sequence of the FKTN gene has been identified. The boundaries of this event are unknown as they extend beyond the assayed region for this gene and therefore may encompass additional genes. As the precise location of this event is unknown, it may be in tandem or it may be located elsewhere in the genome. This variant has not been reported in the literature in individuals affected with FKTN-related conditions. In summary, the available evidence is currently insufficient to determine the role of this variant in disease. Therefore, it has been classified as a Variant of Uncertain Significance.